The following is an entry in ClinVar:

NM_001113378.2(FANCI):c.3371C>G (p.Thr1124Ser)

Gene: FANCI (FA complementation group I; plus strand). Cytogenetic location: 15q26.1.
Variant type: single nucleotide variant.
Coding change: c.3371C>G on transcript NM_001113378.2 (MANE Select); coding-DNA position 3371, C replaced by G.
Protein change: p.Thr1124Ser; replaces threonine 1124 with serine.
Molecular consequence: missense variant.
Genome position (GRCh38, 1-based): chr15:89,306,028, C>G. VCF-style: chr15-89306028-C-G. GRCh37 (hg19) VCF-style: chr15-89849259-C-G.
Other names: c.3092C>G, p.Thr1031Ser (NM_001376910.1); c.3371C>G, p.Thr1124Ser (NM_001376911.1); c.3191C>G, p.Thr1064Ser (NM_018193.3); short protein forms T1031S, T1064S, T1124S.
Identifiers: ClinVar variation 2187065 (VCV002187065.1), dbSNP rs2508501811, ClinGen allele CA393740340.

ClinVar aggregate classification (germline): Uncertain significance (1 of 4 stars; one submission).

Conditions:
Fanconi anemia (FA). Also called: Fanconi's anemia. Identifiers: Orphanet 84, MedGen C0015625, MeSH D005199, MONDO:0019391.

Allele frequency attached by ClinVar (database versions not stated): gnomAD exomes below 0.00001.
gnomAD v4.1: 6 of 1,614,178 alleles (0.00037%); highest among the groups gnomAD compares: African/African-American, 0.0027%; 1 homozygote.

Submission:

Labcorp Genetics (formerly Invitae), Labcorp
Classification: Uncertain significance for Fanconi anemia. Last evaluated: 2022-10-24. Review status: criteria provided, single submitter. Criteria: Invitae Variant Classification Sherloc (09022015). Collection method: clinical testing. Allele origin: germline.
Comment: This sequence change replaces threonine, which is neutral and polar, with serine, which is neutral and polar, at codon 1124 of the FANCI protein (p.Thr1124Ser). This variant is not present in population databases (gnomAD no frequency). This variant has not been reported in the literature in individuals affected with FANCI-related conditions. Algorithms developed to predict the effect of missense changes on protein structure and function output the following: SIFT: "Tolerated"; PolyPhen-2: "Benign"; Align-GVGD: "Class C0". The serine amino acid residue is found in multiple mammalian species, which suggests that this missense change does not adversely affect protein function. In summary, the available evidence is currently insufficient to determine the role of this variant in disease. Therefore, it has been classified as a Variant of Uncertain Significance.